The following is an entry in ClinVar:

NM_005159.5(ACTC1):c.740G>A (p.Gly247Asp)

Genes: ACTC1 (actin alpha cardiac muscle 1; minus strand), GJD2-DT (GJD2 divergent transcript; plus strand). Cytogenetic location: 15q14.
Variant type: single nucleotide variant.
Coding change: c.740G>A on transcript NM_005159.5 (MANE Select); coding-DNA position 740, G replaced by A.
Protein change: p.Gly247Asp; replaces glycine 247 with aspartic acid.
Molecular consequence: missense variant.
Genome position (GRCh38, 1-based): chr15:34,792,158, C>T on the plus strand (G>A on the coding strand, the complement: ACTC1 is on the minus strand). VCF-style: chr15-34792158-C-T. GRCh37 (hg19) VCF-style: chr15-35084359-C-T.
Other names: c.740G>A (LRG_388t1); short protein forms G247D.
Identifiers: ClinVar variation 626827 (VCV000626827.13), dbSNP rs1566967399, ClinGen allele CA391629970.

ClinVar aggregate classification (germline): Pathogenic/Likely pathogenic. Review status: criteria provided, multiple submitters, no conflicts (2 of 4 stars). 3 submissions from 3 submitters: Pathogenic (2); Likely pathogenic (1). Last evaluated 2024-02-24.

Conditions:
Hypertrophic cardiomyopathy 11. Also called: ACTC1-Related Familial Hypertrophic Cardiomyopathy. Identifiers: MedGen C2677506, MONDO:0012799, OMIM 612098.
Dilated cardiomyopathy 1R (CMD1R). Identifiers: Orphanet 154, Orphanet 54260, MedGen C3150681, MONDO:0013261, OMIM 613424.
Atrial septal defect 5 (ASD5). Identifiers: Orphanet 1478, MedGen C2748552, MONDO:0013011, OMIM 612794.
Cardiovascular phenotype. Identifiers: MedGen CN230736.
Cardiomyopathy (CMYO). Also called: Cardiomyopathies. Identifiers: Orphanet 167848, MedGen C0878544, MONDO:0004994, HP:0001638. Inheritance: Various modes of inheritance.

Submissions (3):

Labcorp Genetics (formerly Invitae), Labcorp
Classification: Pathogenic for Dilated cardiomyopathy 1R; Hypertrophic cardiomyopathy 11; Atrial septal defect 5. Last evaluated: 2024-02-24. Review status: criteria provided, single submitter. Criteria: Invitae Variant Classification Sherloc (09022015). Collection method: clinical testing. Allele origin: germline.
Comment: This sequence change replaces glycine, which is neutral and non-polar, with aspartic acid, which is acidic and polar, at codon 247 of the ACTC1 protein (p.Gly247Asp). This variant is not present in population databases (gnomAD no frequency). This missense change has been observed in individual(s) with atrial septal defect and/or dilated cardiomyopathy (PMID: 31430208). It has also been observed to segregate with disease in related individuals. ClinVar contains an entry for this variant (Variation ID: 626827). Advanced modeling of protein sequence and biophysical properties (such as structural, functional, and spatial information, amino acid conservation, physicochemical variation, residue mobility, and thermodynamic stability) has been performed at Invitae for this missense variant, however the output from this modeling did not meet the statistical confidence thresholds required to predict the impact of this variant on ACTC1 protein function. Experimental studies have shown that this missense change affects ACTC1 function (PMID: 31430208, 31434612). For these reasons, this variant has been classified as Pathogenic.

Ambry Genetics
Classification: Pathogenic for Cardiovascular phenotype. Last evaluated: 2022-01-21. Review status: criteria provided, single submitter. Criteria: Ambry Variant Classification Scheme 2023. Collection method: clinical testing. Allele origin: germline.
Comment: The p.G247D pathogenic mutation (also known as c.740G>A), located in coding exon 4 of the ACTC1 gene, results from a G to A substitution at nucleotide position 740. The glycine at codon 247 is replaced by aspartic acid, an amino acid with similar properties. This alteration has been shown to segregate with disease in a family with atrial septal defects and dilated cardiomyopathy (Frank D et al. Circ Genom Precis Med, 2019 08;12:e002491). Functional and structural studies have suggested this alteration disrupts actin polymerization, which may impair contractility and have a deleterious impact on other cellular processes (Rangrez AY et al. Biochem Biophys Res Commun, 2019 10;518:500-505). In addition, this variant is considered to be rare based on population cohorts in the Genome Aggregation Database (gnomAD). This amino acid position is highly conserved in available vertebrate species. In addition, this alteration is predicted to be deleterious by in silico analysis. Based on the supporting evidence, this alteration is interpreted as a disease-causing mutation.

CHEO Genetics Diagnostic Laboratory, Children's Hospital of Eastern Ontario
Classification: Likely pathogenic for Cardiomyopathy. Last evaluated: 2017-08-09. Review status: criteria provided, single submitter. Criteria: ACMG Guidelines, 2015. Collection method: clinical testing. Allele origin: germline. Study: Canadian Open Genetics Repository.

Literature cited by the submitters: PubMed 31430208 (cited by Labcorp Genetics (formerly Invitae), Labcorp and Ambry Genetics); PubMed 31434612 (cited by Labcorp Genetics (formerly Invitae), Labcorp and Ambry Genetics).